The following is an entry in ClinVar:

NM_005458.8(GABBR2):c.161C>T (p.Pro54Leu)

Gene: GABBR2 (gamma-aminobutyric acid type B receptor subunit 2; minus strand). Cytogenetic location: 9q22.33.
Variant type: single nucleotide variant.
Coding change: c.161C>T on transcript NM_005458.8 (MANE Select); coding-DNA position 161, C replaced by T.
Protein change: p.Pro54Leu; replaces proline 54 with leucine.
Molecular consequence: missense variant.
Genome position (GRCh38, 1-based): chr9:98,708,577, G>A on the plus strand (C>T on the coding strand, the complement: GABBR2 is on the minus strand). VCF-style: chr9-98708577-G-A. GRCh37 (hg19) VCF-style: chr9-101470859-G-A.
Other names: short protein forms P54L.
Identifiers: ClinVar variation 1041455 (VCV001041455.8), dbSNP rs1255805463, ClinGen allele CA374212722.

ClinVar aggregate classification (germline): Uncertain significance (1 of 4 stars; one submission).

Conditions:
Epileptic encephalopathy. Identifiers: MedGen C0543888, HP:0200134.

Allele frequency attached by ClinVar (database versions not stated): gnomAD exomes below 0.00001 and 0.00001; TOPMed 0.00002.
gnomAD v4.1: 2 of 1,506,416 alleles (0.00013%); highest among the groups gnomAD compares: African/African-American, 0.0028%; no homozygotes.

Submission:

Labcorp Genetics (formerly Invitae), Labcorp
Classification: Uncertain significance for Epileptic encephalopathy. Last evaluated: 2025-02-23. Review status: criteria provided, single submitter. Criteria: Invitae Variant Classification Sherloc (09022015). Collection method: clinical testing. Allele origin: germline.
Comment: This sequence change replaces proline, which is neutral and non-polar, with leucine, which is neutral and non-polar, at codon 54 of the GABBR2 protein (p.Pro54Leu). The frequency data for this variant in the population databases is considered unreliable, as metrics indicate poor data quality at this position in the gnomAD database. This variant has not been reported in the literature in individuals affected with GABBR2-related conditions. ClinVar contains an entry for this variant (Variation ID: 1041455). Invitae Evidence Modeling of protein sequence and biophysical properties (such as structural, functional, and spatial information, amino acid conservation, physicochemical variation, residue mobility, and thermodynamic stability) indicates that this missense variant is not expected to disrupt GABBR2 protein function with a negative predictive value of 80%. In summary, the available evidence is currently insufficient to determine the role of this variant in disease. Therefore, it has been classified as a Variant of Uncertain Significance.